The following is an entry in ClinVar:

NM_005559.4(LAMA1):c.6577G>T (p.Asp2193Tyr)

Gene: LAMA1 (laminin subunit alpha 1; minus strand). Cytogenetic location: 18p11.31.
Variant type: single nucleotide variant.
Coding change: c.6577G>T on transcript NM_005559.4 (MANE Select); coding-DNA position 6577, G replaced by T.
Protein change: p.Asp2193Tyr; replaces aspartic acid 2193 with tyrosine.
Molecular consequence: missense variant.
Genome position (GRCh38, 1-based): chr18:6,974,949, C>A on the plus strand (G>T on the coding strand, the complement: LAMA1 is on the minus strand). VCF-style: chr18-6974949-C-A. GRCh37 (hg19) VCF-style: chr18-6974948-C-A.
Other names: short protein forms D2193Y.
Identifiers: ClinVar variation 1801998 (VCV001801998.6), dbSNP rs149080936, ClinGen allele CA8881183.
Genomic context (GRCh38, chr18:6,974,949, plus strand): 5'-ACATTCTCTTCTACCTGGCTACATGGATACTGTGCCATCTGTTGTCATCAATGGGAAAGT[C>A]TGGAAACTCCAAGCGTGTGGACCCGGAGCCCAGGTCCCACAGGAAGGCCACTCTCCCTCG-3'
Protein context (NP_005550.2, residues 2183-2203): GSGSTRLEFP[Asp2193Tyr]FPIDDNRWHS

ClinVar aggregate classification (germline): Conflicting classifications of pathogenicity. Review status: criteria provided, conflicting classifications (1 of 4 stars). 5 submissions from 5 submitters: Uncertain significance (4); Likely benign (1). Last evaluated 2024-11-25.

Conditions:
Inborn genetic diseases. Identifiers: MedGen C0950123, MeSH D030342.

Allele frequency attached by ClinVar (database versions not stated): gnomAD exomes 0.00010; ExAC 0.00016; gnomAD 0.00043; ESP Exome Variant Server 0.00046; 1000 Genomes Project 0.00060; TOPMed 0.00060; 1000 Genomes Project 30x 0.00062.
gnomAD v4.1: 224 of 1,614,048 alleles (0.014%); highest among the groups gnomAD compares: Middle Eastern, 0.13%; 1 homozygote.

Submissions (5):

Blueprint Genetics
Classification: Likely benign. Last evaluated: 2024-11-25. Review status: criteria provided, single submitter. Criteria: ACMG Guidelines, 2015. Collection method: clinical testing. Allele origin: germline.

Labcorp Genetics (formerly Invitae), Labcorp
Classification: Uncertain significance. Last evaluated: 2022-10-13. Review status: criteria provided, single submitter. Criteria: Invitae Variant Classification Sherloc (09022015). Collection method: clinical testing. Allele origin: germline.
Comment: This sequence change replaces aspartic acid, which is acidic and polar, with tyrosine, which is neutral and polar, at codon 2193 of the LAMA1 protein (p.Asp2193Tyr). This variant is present in population databases (rs149080936, gnomAD 0.1%). This variant has not been reported in the literature in individuals affected with LAMA1-related conditions. Advanced modeling of protein sequence and biophysical properties (such as structural, functional, and spatial information, amino acid conservation, physicochemical variation, residue mobility, and thermodynamic stability) performed at Invitae indicates that this missense variant is expected to disrupt LAMA1 protein function. Algorithms developed to predict the effect of sequence changes on RNA splicing suggest that this variant may disrupt the consensus splice site. In summary, the available evidence is currently insufficient to determine the role of this variant in disease. Therefore, it has been classified as a Variant of Uncertain Significance.

GeneDx
Classification: Uncertain significance. Last evaluated: 2022-06-02. Review status: criteria provided, single submitter. Criteria: GeneDx Variant Classification Process June 2021. Collection method: clinical testing. Allele origin: germline. Affected: yes.
Comment: In silico analysis supports that this missense variant has a deleterious effect on protein structure/function; However, in-silico analysis is inconclusive as to whether the variant alters gene splicing. In the absence of RNA/functional studies, the actual effect of this sequence change is unknown.; Has not been previously published as pathogenic or benign to our knowledge

Clinical Genetics Laboratory, Skane University Hospital Lund
Classification: Uncertain significance. Last evaluated: 2022-05-27. Review status: criteria provided, single submitter. Criteria: ACMG Guidelines, 2015. Collection method: clinical testing. Allele origin: germline. Affected: yes.

Ambry Genetics
Classification: Uncertain significance for Inborn genetic diseases. Last evaluated: 2021-07-21. Review status: criteria provided, single submitter. Criteria: Ambry Variant Classification Scheme 2023. Collection method: clinical testing. Allele origin: germline.